The following is an entry in ClinVar:

ClinVar aggregate classification (germline): Uncertain significance (1 of 4 stars; one submission).

Conditions:
TRAF7-related disorder. Also called: TRAF7-related condition.

Submission:

PreventionGenetics, part of Exact Sciences
Classification: Uncertain significance for TRAF7-related condition. Last evaluated: 2025-07-09. Review status: criteria provided, single submitter. Criteria: ACMG Guidelines, 2015. Collection method: clinical testing. Allele origin: germline.
Comment: The TRAF7 c.1879-2A>G variant is predicted to disrupt the AG splice acceptor site and interfere with normal splicing. To our knowledge, this variant has not been reported in the literature or in a large population database (gnomAD), indicating this variant is rare. Only a few splicing variants in this gene have been reported in association with congenital heart disease to date (Morton et al. 2021. PubMed ID: 33084842; Table S1, Monies et al. 2023. PubMed ID: 37344829). Although we suspect that this variant may be pathogenic, at this time, the clinical significance of this variant is uncertain due to the absence of conclusive functional and genetic evidence.

NM_032271.3(TRAF7):c.1879-2A>G

Gene: TRAF7 (TNF receptor associated factor 7; plus strand). Cytogenetic location: 16p13.3.
Variant type: single nucleotide variant.
Coding change: c.1879-2A>G on transcript NM_032271.3 (MANE Select); the canonical splice acceptor site of the intron before coding-DNA position 1879, A replaced by G.
Molecular consequence: splice acceptor variant.
Genome position (GRCh38, 1-based): chr16:2,176,263, A>G. VCF-style: chr16-2176263-A-G. GRCh37 (hg19) VCF-style: chr16-2226264-A-G.
Identifiers: ClinVar variation 4998562 (VCV004998562.1).